The following is an entry in ClinVar:

ClinVar aggregate classification (germline): Uncertain significance. Review status: criteria provided, multiple submitters, no conflicts (2 of 4 stars). 2 submissions from 2 submitters: Uncertain significance (2). Last evaluated 2025-09-27.

Conditions:
Hereditary cancer-predisposing syndrome. Also called: Neoplastic Syndromes, Hereditary; Hereditary neoplastic syndrome; Tumor predisposition; Hereditary Cancer Syndrome. Identifiers: Orphanet 140162, MedGen C0027672, MeSH D009386, MONDO:0015356.
Ataxia-telangiectasia syndrome (AT). Also called: Ataxia-telangiectasia, complementation group D; AT, COMPLEMENTATION GROUP C; Ataxia telangiectasia (A-T); Cerebello-oculocutaneous telangiectasia; Immunodeficiency with ataxia telangiectasia; ATAXIA-TELANGIECTASIA, COMPLEMENTATION GROUP A. Identifiers: Orphanet 100, MedGen C0004135, MONDO:0008840, OMIM 208900.

Submissions (2):

Ambry Genetics
Classification: Uncertain significance for Hereditary cancer-predisposing syndrome. Last evaluated: 2025-09-27. Review status: criteria provided, single submitter. Criteria: Ambry Variant Classification Scheme 2023. Collection method: clinical testing. Allele origin: germline.
Comment: The p.N321D variant (also known as c.961A>G), located in coding exon 7 of the ATM gene, results from an A to G substitution at nucleotide position 961. The asparagine at codon 321 is replaced by aspartic acid, an amino acid with highly similar properties. This amino acid position is conserved. In addition, this alteration is predicted to be tolerated by in silico analysis. Since supporting evidence is limited at this time, the clinical significance of this alteration remains unclear.

Labcorp Genetics (formerly Invitae), Labcorp
Classification: Uncertain significance for Ataxia-telangiectasia syndrome. Last evaluated: 2020-11-10. Review status: criteria provided, single submitter. Criteria: Invitae Variant Classification Sherloc (09022015). Collection method: clinical testing. Allele origin: germline.
Comment: In summary, the available evidence is currently insufficient to determine the role of this variant in disease. Therefore, it has been classified as a Variant of Uncertain Significance. Algorithms developed to predict the effect of missense changes on protein structure and function are either unavailable or do not agree on the potential impact of this missense change (SIFT: "Tolerated"; PolyPhen-2: "Probably Damaging"; Align-GVGD: "Class C0"). This variant has not been reported in the literature in individuals with ATM-related disease. This variant is not present in population databases (ExAC no frequency). This sequence change replaces asparagine with aspartic acid at codon 321 of the ATM protein (p.Asn321Asp). The asparagine residue is moderately conserved and there is a small physicochemical difference between asparagine and aspartic acid.

NM_000051.4(ATM):c.961A>G (p.Asn321Asp)

Gene: ATM (ATM serine/threonine kinase; plus strand). Cytogenetic location: 11q22.3.
Variant type: single nucleotide variant.
Coding change: c.961A>G on transcript NM_000051.4 (MANE Select); coding-DNA position 961, A replaced by G.
Protein change: p.Asn321Asp; replaces asparagine 321 with aspartic acid.
Molecular consequence: missense variant.
Genome position (GRCh38, 1-based): chr11:108,247,023, A>G. VCF-style: chr11-108247023-A-G. GRCh37 (hg19) VCF-style: chr11-108117750-A-G.
Other names: c.961A>G, p.Asn321Asp (NM_001351834.2); short protein forms N321D.
Identifiers: ClinVar variation 664112 (VCV000664112.12), dbSNP rs1591510765, ClinGen allele CA382530946.